The following is an entry in ClinVar:

NM_001723.7(DST):c.4877G>T (p.Arg1626Leu)

Gene: DST (dystonin; minus strand). Cytogenetic location: 6p12.1.
Variant type: single nucleotide variant.
Coding change: c.4877G>T on transcript NM_001723.7 (MANE Plus Clinical); coding-DNA position 4877, G replaced by T.
Protein change: p.Arg1626Leu; replaces arginine 1626 with leucine.
Molecular consequence: missense variant. On other transcripts: intron variant (10).
Genome position (GRCh38, 1-based): chr6:56,619,157, C>A on the plus strand (G>T on the coding strand, the complement: DST is on the minus strand). VCF-style: chr6-56619157-C-A. GRCh37 (hg19) VCF-style: chr6-56483955-C-A.
Other names: c.4831-4673G>T (NM_001144769.5); c.4930-4673G>T (NM_001374722.1, NM_001374736.1); c.4957-4673G>T (NM_001374734.1); c.4417-4673G>T (NM_001144770.2); c.4297-4673G>T (NM_001374730.1, NM_001386100.1, NM_183380.4 and 1 more transcripts); c.3319-4673G>T (NM_015548.5); short protein forms R1626L.
Identifiers: ClinVar variation 1043013 (VCV001043013.9), dbSNP rs778510315, ClinGen allele CA3870460.

ClinVar aggregate classification (germline): Uncertain significance (1 of 4 stars; one submission).

Conditions:
Epidermolysis bullosa simplex 3, localized or generalized intermediate, with BP230 deficiency (EBS3). Also called: Epidermolysis bullosa simplex, autosomal recessive 2; Epidermolysis bullosa simplex due to BP230 deficiency. Identifiers: Orphanet 412181, MedGen C3809470, MONDO:0014180, OMIM 615425.
Hereditary sensory and autonomic neuropathy type 6. Also called: Neuropathy, hereditary sensory and autonomic, type VI; HSAN VI. Identifiers: Orphanet 314381, MedGen C3539003, MONDO:0013839, OMIM 614653.

Allele frequency attached by ClinVar (database versions not stated): gnomAD 0.00001.
gnomAD v4.1: 2 of 1,613,884 alleles (0.00012%); highest among the groups gnomAD compares: Admixed American, 0.0033%; no homozygotes.

Submission:

Labcorp Genetics (formerly Invitae), Labcorp
Classification: Uncertain significance for Epidermolysis bullosa simplex 3, localized or generalized intermediate, with BP230 deficiency; Hereditary sensory and autonomic neuropathy type 6. Last evaluated: 2020-09-07. Review status: criteria provided, single submitter. Criteria: Invitae Variant Classification Sherloc (09022015). Collection method: clinical testing. Allele origin: germline.
Comment: This variant has not been reported in the literature in individuals with DST-related conditions. Algorithms developed to predict the effect of missense changes on protein structure and function (SIFT, PolyPhen-2, Align-GVGD) all suggest that this variant is likely to be disruptive, but these predictions have not been confirmed by published functional studies and their clinical significance is uncertain. In summary, the available evidence is currently insufficient to determine the role of this variant in disease. Therefore, it has been classified as a Variant of Uncertain Significance. This sequence change replaces arginine with leucine at codon 1626 of the DST protein (p.Arg1626Leu). The arginine residue is highly conserved and there is a moderate physicochemical difference between arginine and leucine. This variant is present in population databases (rs778510315, ExAC 0.009%).